The following is an entry in ClinVar:

ClinVar aggregate classification (germline): Uncertain significance (1 of 4 stars; one submission).

gnomAD v4.1: 1 of 1,384,264 alleles (0.000072%); highest among the groups gnomAD compares: Non-Finnish European, 0.000094%; no homozygotes.

Submission:

Labcorp Genetics (formerly Invitae), Labcorp
Classification: Uncertain significance. Last evaluated: 2020-12-11. Review status: criteria provided, single submitter. Criteria: Invitae Variant Classification Sherloc (09022015). Collection method: clinical testing. Allele origin: germline.
Comment: This variant has not been reported in the literature in individuals with COL9A3-related conditions. The frequency data for this variant in the population databases is considered unreliable, as metrics indicate insufficient coverage at this position in the ExAC database. This sequence change replaces proline with alanine at codon 4 of the COL9A3 protein (p.Pro4Ala). The proline residue is weakly conserved and there is a small physicochemical difference between proline and alanine. Advanced modeling of protein sequence and biophysical properties (such as structural, functional, and spatial information, amino acid conservation, physicochemical variation, residue mobility, and thermodynamic stability) performed at Invitae indicates that this missense variant is not expected to disrupt COL9A3 protein function. In summary, the available evidence is currently insufficient to determine the role of this variant in disease. Therefore, it has been classified as a Variant of Uncertain Significance.

NM_001853.4(COL9A3):c.10C>G (p.Pro4Ala)

Gene: COL9A3 (collagen type IX alpha 3 chain; plus strand). Cytogenetic location: 20q13.33.
Variant type: single nucleotide variant.
Coding change: c.10C>G on transcript NM_001853.4 (MANE Select); coding-DNA position 10, C replaced by G.
Protein change: p.Pro4Ala; replaces proline 4 with alanine.
Molecular consequence: missense variant.
Genome position (GRCh38, 1-based): chr20:62,817,074, C>G. VCF-style: chr20-62817074-C-G. GRCh37 (hg19) VCF-style: chr20-61448426-C-G.
Other names: short protein forms P4A.
Identifiers: ClinVar variation 1507726 (VCV001507726.8), dbSNP rs2147192908, ClinGen allele CA409586693.